The following is an entry in ClinVar:

ClinVar aggregate classification (germline): Uncertain significance (1 of 4 stars; one submission).

Submission:

Labcorp Genetics (formerly Invitae), Labcorp
Classification: Uncertain significance. Last evaluated: 2022-03-29. Review status: criteria provided, single submitter. Criteria: Invitae Variant Classification Sherloc (09022015). Collection method: clinical testing. Allele origin: germline.
Comment: This sequence change creates a premature translational stop signal (p.Ile320Asnfs*2) in the DIAPH3 gene. It is expected to result in an absent or disrupted protein product. However, the current clinical and genetic evidence is not sufficient to establish whether loss-of-function variants in DIAPH3 cause disease. In summary, the available evidence is currently insufficient to determine the role of this variant in disease. Therefore, it has been classified as a Variant of Uncertain Significance. This variant has not been reported in the literature in individuals affected with DIAPH3-related conditions. The frequency data for this variant in the population databases is considered unreliable, as metrics indicate poor data quality at this position in the gnomAD database.

NM_001042517.2(DIAPH3):c.958dup (p.Ile320fs)

Gene: DIAPH3 (diaphanous related formin 3; minus strand). Cytogenetic location: 13q21.2.
Variant type: Duplication.
Coding change: c.958dup on transcript NM_001042517.2 (MANE Select); coding-DNA position 958, one base duplicated (A; older notation c.958dupA).
Protein change: p.Ile320fs; shifts the reading frame from isoleucine 320.
Molecular consequence: frameshift variant.
Genome position (GRCh38, 1-based): chr13:60,008,600, T duplicated on the plus strand (A on the coding strand, the reverse complement: DIAPH3 is on the minus strand); the first of 9 consecutive T bases (chr13:60,008,600-60,008,608); duplicating any one gives the same sequence. VCF-style (leftmost placement, unchanged base first): chr13-60008599-A-AT. GRCh37 (hg19) VCF-style: chr13-60582733-A-AT.
Other names: c.925dup, p.Ile309fs (NM_001258366.2); c.820dup, p.Ile274fs (NM_001258367.2); c.748dup, p.Ile250fs (NM_001258368.2); c.958dup, p.Ile320fs (NM_001258369.2); c.169dup, p.Ile57fs (NM_001258370.2, NM_030932.4); short protein forms I250fs, I274fs, I309fs, I320fs, I57fs.
Identifiers: ClinVar variation 2040825 (VCV002040825.4), dbSNP rs755069320, ClinGen allele CA6996842.